The following is an entry in ClinVar:

NM_201384.3(PLEC):c.9982T>A (p.Phe3328Ile)

Gene: PLEC (plectin; minus strand). Cytogenetic location: 8q24.3.
Variant type: single nucleotide variant.
Coding change: c.9982T>A on transcript NM_201384.3 (MANE Select); coding-DNA position 9982, T replaced by A.
Protein change: p.Phe3328Ile; replaces phenylalanine 3328 with isoleucine.
Molecular consequence: missense variant.
Genome position (GRCh38, 1-based): chr8:143,919,839, A>T on the plus strand (T>A on the coding strand, the complement: PLEC is on the minus strand). VCF-style: chr8-143919839-A-T. GRCh37 (hg19) VCF-style: chr8-144994007-A-T.
Other names: c.10063T>A, p.Phe3355Ile (NM_000445.5); c.9940T>A, p.Phe3314Ile (NM_201378.4); c.9916T>A, p.Phe3306Ile (NM_201379.3); c.10393T>A, p.Phe3465Ile (NM_201380.4); c.9886T>A, p.Phe3296Ile (NM_201381.3); c.9982T>A, p.Phe3328Ile (NM_201382.4); c.9994T>A, p.Phe3332Ile (NM_201383.3); short protein forms F3314I, F3332I, F3296I, F3465I, F3306I, F3328I, F3355I.
Identifiers: ClinVar variation 1475674 (VCV001475674.8), dbSNP rs781920048, ClinGen allele CA4924800.

ClinVar aggregate classification (germline): Uncertain significance (1 of 4 stars; one submission).

Conditions:
Autosomal recessive limb-girdle muscular dystrophy type 2Q (LGMDR17). Also called: MUSCULAR DYSTROPHY, LIMB-GIRDLE, AUTOSOMAL RECESSIVE 17. Identifiers: Orphanet 254361, MedGen C3150989, MONDO:0013390, OMIM 613723.
Epidermolysis bullosa simplex 5B, with muscular dystrophy (EBS5B). Also called: EPIDERMOLYSIS BULLOSA SIMPLEX AND LIMB-GIRDLE MUSCULAR DYSTROPHY; Epidermolysis bullosa simplex with muscular dystrophy. Identifiers: Orphanet 257, MedGen C2931072, MONDO:0009181, OMIM 226670.
Epidermolysis bullosa simplex, Ogna type (EBS5A). Also called: Pidermolysis bullosa simplex 5A, Ogna type; EPIDERMOLYSIS BULLOSA SIMPLEX 5A, OGNA TYPE. Identifiers: Orphanet 79401, MedGen C0432317, MONDO:0007555, OMIM 131950.
Epidermolysis bullosa simplex with nail dystrophy (EBS5D). Identifiers: MedGen C4225309, MONDO:0014661, OMIM 616487.
Epidermolysis bullosa simplex 5C, with pyloric atresia (EBS5C). Also called: Epidermolysis bullosa simplex with pyloric atresia; PLEC1-Related Epidermolysis Bullosa with Pyloric Atresia; PLEC-Related Epidermolysis Bullosa with Pyloric Atresia. Identifiers: Orphanet 158684, MedGen C2677349, MONDO:0012807, OMIM 612138.

Allele frequency attached by ClinVar (database versions not stated): TOPMed below 0.00001.
gnomAD v4.1: 7 of 1,613,112 alleles (0.00043%); highest among the groups gnomAD compares: East Asian, 0.013%; no homozygotes.

Submission:

Labcorp Genetics (formerly Invitae), Labcorp
Classification: Uncertain significance for Autosomal recessive limb-girdle muscular dystrophy type 2Q; Epidermolysis bullosa simplex, Ogna type; Epidermolysis bullosa simplex with nail dystrophy; Epidermolysis bullosa simplex 5C, with pyloric atresia; Epidermolysis bullosa simplex 5B, with muscular dystrophy. Last evaluated: 2024-02-26. Review status: criteria provided, single submitter. Criteria: Invitae Variant Classification Sherloc (09022015). Collection method: clinical testing. Allele origin: germline.
Comment: This sequence change replaces phenylalanine, which is neutral and non-polar, with isoleucine, which is neutral and non-polar, at codon 3355 of the PLEC protein (p.Phe3355Ile). This variant is present in population databases (rs781920048, gnomAD 0.01%). This missense change has been observed in individual(s) with clinical features of limb-girdle muscular dystrophy (PMID: 28447722). This variant is also known as c.9940T>A (p.Phe3314Ile). ClinVar contains an entry for this variant (Variation ID: 1475674). An algorithm developed to predict the effect of missense changes on protein structure and function (PolyPhen-2) suggests that this variant is likely to be disruptive. In summary, the available evidence is currently insufficient to determine the role of this variant in disease. Therefore, it has been classified as a Variant of Uncertain Significance.

Literature cited by the submitters: PubMed 28447722.